The following is an entry in ClinVar:

ClinVar aggregate classification (germline): Benign/Likely benign. Review status: criteria provided, multiple submitters, no conflicts (2 of 4 stars). 5 submissions from 5 submitters: Benign (2); Likely benign (3). Last evaluated 2026-09-18.

Conditions:
COL4A2-related disorder. Also called: COL4A2-related disorders; COL4A2-related condition.
Brain small vessel disease 2A, autosomal dominant. Also called: Porencephaly 2. Identifiers: Orphanet 2940, Orphanet 99810, MedGen C3280970, MONDO:0013773, OMIM 614483.

Allele frequency attached by ClinVar (database versions not stated): gnomAD exomes 0.00012 and 0.00025; ExAC 0.00027; ESP Exome Variant Server 0.00034; 1000 Genomes Project 0.00060; 1000 Genomes Project 30x 0.00062; gnomAD 0.00080 and 0.00089; TOPMed 0.00093.
gnomAD v4.1: 303 of 1,613,866 alleles (0.019%); highest among the groups gnomAD compares: African/African-American, 0.24%; no homozygotes.

Submissions (5):

PreventionGenetics, part of Exact Sciences
Classification: Likely benign for COL4A2-related condition. Last evaluated: 2026-09-18. Review status: criteria provided, single submitter. Criteria: ACMG Guidelines, 2015. Collection method: clinical testing. Allele origin: germline.
Comment: This variant is classified as likely benign based on ACMG/AMP sequence variant interpretation guidelines (Richards et al. 2015 PMID: 25741868, with internal and published modifications).

Women's Health and Genetics/Laboratory Corporation of America, LabCorp
Classification: Likely benign. Last evaluated: 2026-05-07. Review status: criteria provided, single submitter. Criteria: LabCorp Variant Classification Summary - May 2015. Collection method: clinical testing. Allele origin: germline.

Labcorp Genetics (formerly Invitae), Labcorp
Classification: Benign. Last evaluated: 2025-09-15. Review status: criteria provided, single submitter. Criteria: Invitae Variant Classification Sherloc (09022015). Collection method: clinical testing. Allele origin: germline.

Mayo Clinic Laboratories, Mayo Clinic
Classification: Likely benign. Last evaluated: 2025-04-02. Review status: criteria provided, single submitter. Criteria: ACMG Guidelines, 2015. Collection method: clinical testing. Allele origin: germline. Observed: 2 variant alleles.
Comment: BS1, BP4, BP7

Illumina Laboratory Services, Illumina
Classification: Benign for Brain small vessel disease 2A, autosomal dominant. Last evaluated: 2018-01-12. Review status: criteria provided, single submitter. Criteria: ICSL Variant Classification Criteria 13 December 2019. Collection method: clinical testing. Allele origin: germline.
Comment: This variant was observed in the ICSL laboratory as part of a predisposition screen in an ostensibly healthy population. It had not been previously curated by ICSL or reported in the Human Gene Mutation Database (HGMD: prior to June 1st, 2018), and was therefore a candidate for classification through an automated scoring system. Utilizing variant allele frequency, disease prevalence and penetrance estimates, and inheritance mode, an automated score was calculated to assess if this variant is too frequent to cause the disease. Based on the score and internal cut-off values, a variant classified as benign is not then subjected to further curation. The score for this variant resulted in a classification of benign for this disease.

NM_001846.4(COL4A2):c.4146C>T (p.Pro1382=)

Genes: COL4A2 (collagen type IV alpha 2 chain; plus strand), COL4A2-AS1 (COL4A2 antisense RNA 1; minus strand). Cytogenetic location: 13q34.
Variant type: single nucleotide variant.
Coding change: c.4146C>T on transcript NM_001846.4 (MANE Select); coding-DNA position 4146, C replaced by T.
Protein change: p.Pro1382=; no amino-acid change (proline 1382 retained).
Molecular consequence: synonymous variant.
Genome position (GRCh38, 1-based): chr13:110,503,854, C>T. VCF-style: chr13-110503854-C-T. GRCh37 (hg19) VCF-style: chr13-111156201-C-T.
Other names: p.Pro1382=.
Identifiers: ClinVar variation 311173 (VCV000311173.17), dbSNP rs372424, ClinGen allele CA7050428.